The following is an entry in ClinVar:

NM_005883.3(APC2):c.1153T>C (p.Trp385Arg)

Gene: APC2 (APC regulator of Wnt signaling pathway 2; plus strand). Cytogenetic location: 19p13.3.
Variant type: single nucleotide variant.
Coding change: c.1153T>C on transcript NM_005883.3 (MANE Select); coding-DNA position 1153, T replaced by C.
Protein change: p.Trp385Arg; replaces tryptophan 385 with arginine.
Molecular consequence: missense variant.
Genome position (GRCh38, 1-based): chr19:1,457,189, T>C. VCF-style: chr19-1457189-T-C. GRCh37 (hg19) VCF-style: chr19-1457188-T-C.
Other names: c.1150T>C, p.Trp384Arg (NM_001351273.1); short protein forms W384R, W385R.
Identifiers: ClinVar variation 3778451 (VCV003778451.7).

ClinVar aggregate classification (germline): Uncertain significance (1 of 4 stars; one submission).

gnomAD v4.1: 1 of 1,565,658 alleles (0.000064%); highest among the groups gnomAD compares: Non-Finnish European, 0.000086%; no homozygotes.

Submission:

CeGaT Center for Human Genetics Tuebingen
Classification: Uncertain significance. Last evaluated: 2025-03-01. Review status: criteria provided, single submitter. Criteria: CeGaT Center For Human Genetics Tuebingen Variant Classification Criteria Version 2. Collection method: clinical testing. Allele origin: germline. Affected: yes. Observed: 1 variant allele.
Comment: APC2: PM2, PP3